The following is an entry in ClinVar:

ClinVar aggregate classification (germline): Benign (1 of 4 stars; one submission).

Conditions:
Autosomal dominant cerebellar ataxia. Also called: Spinocerebellar Ataxia, Dominant. Identifiers: Orphanet 99, MedGen C4087347, MONDO:0020380.

Allele frequency attached by ClinVar (database versions not stated): gnomAD 0.00022 and 0.00032; TOPMed 0.00037; 1000 Genomes Project 30x 0.00125; 1000 Genomes Project 0.00140.

Submission:

Illumina Laboratory Services, Illumina
Classification: Benign for Spinocerebellar Ataxia, Dominant. Last evaluated: 2018-01-13. Review status: criteria provided, single submitter. Criteria: ICSL Variant Classification Criteria 13 December 2019. Collection method: clinical testing. Allele origin: germline.
Comment: This variant was observed in the ICSL laboratory as part of a predisposition screen in an ostensibly healthy population. It had not been previously curated by ICSL or reported in the Human Gene Mutation Database (HGMD: prior to June 1st, 2018), and was therefore a candidate for classification through an automated scoring system. Utilizing variant allele frequency, disease prevalence and penetrance estimates, and inheritance mode, an automated score was calculated to assess if this variant is too frequent to cause the disease. Based on the score and internal cut-off values, a variant classified as benign is not then subjected to further curation. The score for this variant resulted in a classification of benign for this disease.

NM_001378452.1(ITPR1):c.*1008A>G

Gene: ITPR1 (inositol 1,4,5-trisphosphate receptor type 1; plus strand). Cytogenetic location: 3p26.1.
Variant type: single nucleotide variant.
Coding change: c.*1008A>G on transcript NM_001378452.1 (MANE Select); 1008 bases downstream of the stop codon, A replaced by G.
Molecular consequence: 3 prime UTR variant.
Genome position (GRCh38, 1-based): chr3:4,847,233, A>G. VCF-style: chr3-4847233-A-G. GRCh37 (hg19) VCF-style: chr3-4888917-A-G.
Other names: c.*1008A>G (NM_001099952.4, NM_001168272.2, NM_002222.7).
Identifiers: ClinVar variation 345911 (VCV000345911.5), dbSNP rs141084091, ClinGen allele CA10619080.